The following is an entry in ClinVar:

NM_005228.5(EGFR):c.2276T>C (p.Ile759Thr)

Gene: EGFR (epidermal growth factor receptor; plus strand). Cytogenetic location: 7p11.2.
Variant type: single nucleotide variant.
Coding change: c.2276T>C on transcript NM_005228.5 (MANE Select); coding-DNA position 2276, T replaced by C.
Protein change: p.Ile759Thr; replaces isoleucine 759 with threonine.
Molecular consequence: missense variant.
Genome position (GRCh38, 1-based): chr7:55,174,813, T>C. VCF-style: chr7-55174813-T-C. GRCh37 (hg19) VCF-style: chr7-55242506-T-C.
Other names: c.2276T>C, p.Ile759Thr (NM_001346898.2); c.2141T>C, p.Ile714Thr (NM_001346897.2, NM_001346899.2); c.2117T>C, p.Ile706Thr (NM_001346900.2); c.1475T>C, p.Ile492Thr (NM_001346941.2); short protein forms I492T, I706T, I714T, I759T.
Identifiers: ClinVar variation 4016791 (VCV004016791.1).

ClinVar aggregate classification (germline): Uncertain significance (1 of 4 stars; one submission).

Conditions:
Hereditary cancer-predisposing syndrome. Also called: Tumor predisposition; Hereditary neoplastic syndrome; Neoplastic Syndromes, Hereditary; Hereditary Cancer Syndrome. Identifiers: Orphanet 140162, MedGen C0027672, MeSH D009386, MONDO:0015356.

Submission:

Ambry Genetics
Classification: Uncertain significance for Hereditary cancer-predisposing syndrome. Last evaluated: 2025-06-06. Review status: criteria provided, single submitter. Criteria: Ambry Variant Classification Scheme 2023. Collection method: clinical testing. Allele origin: germline.
Comment: The p.I759T variant (also known as c.2276T>C), located in coding exon 19 of the EGFR gene, results from a T to C substitution at nucleotide position 2276. The isoleucine at codon 759 is replaced by threonine, an amino acid with similar properties. This amino acid position is highly conserved in available vertebrate species. In addition, this alteration is predicted to be deleterious by in silico analysis. Based on the available evidence, the clinical significance of this variant remains unclear.